The following is an entry in ClinVar:

NM_001267550.2(TTN):c.28176G>A (p.Glu9392=)

Gene: TTN (titin; minus strand). Cytogenetic location: 2q31.2.
Variant type: single nucleotide variant.
Coding change: c.28176G>A on transcript NM_001267550.2 (MANE Select); coding-DNA position 28176, G replaced by A.
Protein change: p.Glu9392=; no amino-acid change (glutamic acid 9392 retained).
Molecular consequence: synonymous variant. On other transcripts: intron variant (3).
Genome position (GRCh38, 1-based): chr2:178,710,921, C>T on the plus strand (G>A on the coding strand, the complement: TTN is on the minus strand). VCF-style: chr2-178710921-C-T. GRCh37 (hg19) VCF-style: chr2-179575648-C-T.
Other names: c.27225G>A, p.Glu9075= (NM_001256850.1); c.24444G>A, p.Glu8148= (NM_133378.4); c.13282+27161G>A (NM_003319.4); c.13858+27161G>A (NM_133437.4); c.13657+27161G>A (NM_133432.3).
Identifiers: ClinVar variation 4082569 (VCV004082569.1).
Genomic context (GRCh38, chr2:178,710,921, plus strand): 5'-TTCTCCCACCACAGCATCCACAGGGGCAAGACGGATGTCAAAGAAGGGTGGGTTCTTCCC[C>T]TCTAATAGTAGAGCAGAAAGACAAGGTTTCAGGCTCAATATCTGGACCATGTCAGTTTAC-3'
Protein context (NP_001254479.2, residues 9382-9402): ASSSARLILT[Glu9392=]GKNPPFFDIR

ClinVar aggregate classification (germline): Uncertain significance (1 of 4 stars; one submission).

gnomAD v4.1: 2 of 1,610,358 alleles (0.00012%); highest among the groups gnomAD compares: South Asian, 0.0011%; no homozygotes.

Submission:

GeneDx
Classification: Uncertain significance. Last evaluated: 2025-03-09. Review status: criteria provided, single submitter. Criteria: GeneDx Variant Classification Process June 2021. Collection method: clinical testing. Allele origin: germline. Affected: yes.
Comment: Not observed at significant frequency in large population cohorts (gnomAD); Has not been previously published as pathogenic or benign to our knowledge; In silico analysis suggests this variant may impact gene splicing. In the absence of RNA/functional studies, the actual effect of this sequence change is unknown.